The following is an entry in ClinVar:

Single allele

Gene: NBPF12 (NBPF member 12; plus strand). Cytogenetic location: 1q21.1.
Variant type: single nucleotide variant.
Identifiers: ClinVar variation 3778003 (VCV003778003.4).

ClinVar aggregate classification (germline): Likely benign (1 of 4 stars; one submission).

Submission:

CeGaT Center for Human Genetics Tuebingen
Classification: Likely benign. Last evaluated: 2025-03-01. Review status: criteria provided, single submitter. Criteria: CeGaT Center For Human Genetics Tuebingen Variant Classification Criteria Version 2. Collection method: clinical testing. Allele origin: germline. Affected: yes. Observed: 1 variant allele.
Comment: NBPF12: BP4, BP7